The following is an entry in ClinVar:

ClinVar aggregate classification (germline): Uncertain significance. Review status: criteria provided, multiple submitters, no conflicts (2 of 4 stars). 4 submissions from 4 submitters: Uncertain significance (4). Last evaluated 2025-12-16.

Conditions:
Hereditary cancer-predisposing syndrome. Also called: Neoplastic Syndromes, Hereditary; Tumor predisposition; Hereditary Cancer Syndrome; Hereditary neoplastic syndrome. Identifiers: Orphanet 140162, MedGen C0027672, MeSH D009386, MONDO:0015356.
BAP1-related tumor predisposition syndrome (TPDS1). Also called: BAP1 tumor predisposition syndrome; Tumor susceptibility linked to germline BAP1 mutations; COMMON Syndrome; TUMOR PREDISPOSITION SYNDROME 1. Identifiers: Orphanet 289539, MedGen C3280492, MONDO:0013692, OMIM 614327.

Allele frequency attached by ClinVar (database versions not stated): ExAC 0.00001; gnomAD exomes 0.00001; gnomAD 0.00003; TOPMed 0.00005.
gnomAD v4.1: 16 of 1,614,106 alleles (0.00099%); highest among the groups gnomAD compares: Admixed American, 0.005%; no homozygotes.

Submissions (5):

Labcorp Genetics (formerly Invitae), Labcorp
Classification: Uncertain significance for BAP1-related tumor predisposition syndrome. Last evaluated: 2025-12-16. Review status: criteria provided, single submitter. Criteria: Invitae Variant Classification Sherloc (09022015). Collection method: clinical testing. Allele origin: germline.
Comment: This sequence change replaces arginine, which is basic and polar, with glycine, which is neutral and non-polar, at codon 417 of the BAP1 protein (p.Arg417Gly). This variant is present in population databases (rs767064896, gnomAD 0.008%). This variant has not been reported in the literature in individuals affected with BAP1-related conditions. ClinVar contains an entry for this variant (Variation ID: 650159). An algorithm developed to predict the effect of missense changes on protein structure and function (PolyPhen-2) suggests that this variant is likely to be tolerated. RNA analysis performed to evaluate the impact of this missense change on mRNA splicing indicates it does not significantly alter splicing (internal data). In summary, the available evidence is currently insufficient to determine the role of this variant in disease. Therefore, it has been classified as a Variant of Uncertain Significance.

Ambry Genetics
Classification: Uncertain significance for Hereditary cancer-predisposing syndrome. Last evaluated: 2024-04-17. Review status: criteria provided, single submitter. Criteria: Ambry Variant Classification Scheme 2023. Collection method: clinical testing. Allele origin: germline.
Comment: The p.R417G variant (also known as c.1249A>G), located in coding exon 12 of the BAP1 gene, results from an A to G substitution at nucleotide position 1249. The arginine at codon 417 is replaced by glycine, an amino acid with dissimilar properties. This amino acid position is highly conserved in available vertebrate species. In addition, the in silico prediction for this alteration is inconclusive. Since supporting evidence is limited at this time, the clinical significance of this alteration remains unclear.

Baylor Genetics
Classification: Uncertain significance for BAP1-related tumor predisposition syndrome. Last evaluated: 2024-03-24. Review status: criteria provided, single submitter. Criteria: ACMG Guidelines, 2015. Collection method: clinical testing. Allele origin: unknown.

Sema4
Classification: Uncertain significance for Hereditary cancer-predisposing syndrome. Last evaluated: 2022-02-19. Review status: criteria provided, single submitter. Criteria: Sema4 Curation Guidelines. Collection method: curation. Allele origin: germline.
Comment: The BAP1 c.1249A>G (p.R417G) variant has been reported in an individual with uterine cancer (PMID: 29684080). It was observed in 2/24966 chromosomes of the African/African American subpopulation in the large and broad cohorts of the Genome Aggregation Database (PMID: 32461654). The variant has been reported in ClinVar (Variation ID 650159). In silico tools suggest the variant may have an impact on splicing though these predictions have not been confirmed by functional studies. The evidence is insufficient to meet ACMG/AMP criteria for classifying the variant as benign or pathogenic. Thus, the clinical significance of this variant is currently uncertain.

Dr. Peter K. Rogan Lab, Western University
No classification provided (evidence only). Condition: Uterine corpus endometrial carcinoma. Review status: no classification provided. Collection method: in vitro. Allele origin: not applicable. Functional consequence: retained intron. Not counted in ClinVar's aggregate classification.

Literature cited by the submitters: PubMed 29684080 (cited by Ambry Genetics and Sema4).

NM_004656.4(BAP1):c.1249A>G (p.Arg417Gly)

Gene: BAP1 (BRCA1 associated deubiquitinase 1; minus strand). Cytogenetic location: 3p21.1.
Variant type: single nucleotide variant.
Coding change: c.1249A>G on transcript NM_004656.4 (MANE Select); coding-DNA position 1249, A replaced by G.
Protein change: p.Arg417Gly; replaces arginine 417 with glycine.
Molecular consequence: missense variant.
Genome position (GRCh38, 1-based): chr3:52,404,454, T>C on the plus strand (A>G on the coding strand, the complement: BAP1 is on the minus strand). VCF-style: chr3-52404454-T-C. GRCh37 (hg19) VCF-style: chr3-52438470-T-C.
Other names: short protein forms R417G.
Identifiers: ClinVar variation 650159 (VCV000650159.16), dbSNP rs767064896, ClinGen allele CA2436859.
Genomic context (GRCh38, chr3:52,404,454, plus strand): 5'-ATATTCAGGATGGGATCCGAAGCACCTAGAACCTGGTAGCCTTAGAAAGCTGGGCTGACC[T>C]AAGGGCAGAGTTGGTGTTCTGCACGTCATCCTCCTCGTCATCCTCATAGTCATCCTCATC-3'
Protein context (NP_004647.1, residues 407-427): DDVQNTNSAL[Arg417Gly]YKGKGTGKPG